The following is an entry in ClinVar:

NM_005751.5(AKAP9):c.5246T>C (p.Ile1749Thr)

Gene: AKAP9 (A-kinase anchoring protein 9; plus strand). Cytogenetic location: 7q21.2.
Variant type: single nucleotide variant.
Coding change: c.5246T>C on transcript NM_005751.5 (MANE Select); coding-DNA position 5246, T replaced by C.
Protein change: p.Ile1749Thr; replaces isoleucine 1749 with threonine.
Molecular consequence: missense variant.
Genome position (GRCh38, 1-based): chr7:92,045,091, T>C. VCF-style: chr7-92045091-T-C. GRCh37 (hg19) VCF-style: chr7-91674405-T-C.
Other names: p.I1749T:ATT>ACT; c.5246T>C, p.Ile1749Thr (NM_147185.3); short protein forms I1749T.
Identifiers: ClinVar variation 136332 (VCV000136332.63), dbSNP rs150016098, ClinGen allele CA236873.

ClinVar aggregate classification (germline): Benign/Likely benign. Review status: criteria provided, multiple submitters, no conflicts (2 of 4 stars). 15 submissions from 15 submitters: Benign (2); Likely benign (11). 2 of the submissions do not count toward it. Last evaluated 2026-01-22.

Conditions:
unspecified heart condition.
Cardiovascular phenotype. Identifiers: MedGen CN230736.
Long QT syndrome (LQTS). Identifiers: MedGen C0023976, MeSH D008133, MONDO:0002442. Disease mechanism: loss of function. Inheritance: Various modes of inheritance.
Long QT syndrome 11 (LQT11). Identifiers: Orphanet 101016, Orphanet 768, MedGen C2678483, MONDO:0012738, OMIM 611820.

Allele frequency attached by ClinVar (database versions not stated): 1000 Genomes Project 30x 0.00016; 1000 Genomes Project 0.00020; ESP Exome Variant Server 0.00038; TOPMed 0.00054; gnomAD 0.00059 and 0.00061; gnomAD exomes 0.00071 and 0.00093; ExAC 0.00090.

Submissions (15):

Labcorp Genetics (formerly Invitae), Labcorp
Classification: Likely benign for Long QT syndrome. Last evaluated: 2026-01-22. Review status: criteria provided, single submitter. Criteria: Invitae Variant Classification Sherloc (09022015). Collection method: clinical testing. Allele origin: germline.

Blueprint Genetics
Classification: Likely benign. Last evaluated: 2024-10-25. Review status: criteria provided, single submitter. Criteria: ACMG Guidelines, 2015. Collection method: clinical testing. Allele origin: germline.

Women's Health and Genetics/Laboratory Corporation of America, LabCorp
Classification: Likely benign. Last evaluated: 2024-01-15. Review status: criteria provided, single submitter. Criteria: LabCorp Variant Classification Summary - May 2015. Collection method: clinical testing. Allele origin: germline.

CeGaT Center for Human Genetics Tuebingen
Classification: Likely benign. Last evaluated: 2023-10-01. Review status: criteria provided, single submitter. Criteria: CeGaT Center For Human Genetics Tuebingen Variant Classification Criteria Version 2. Collection method: clinical testing. Allele origin: germline. Affected: yes. Observed: 4 variant alleles.
Comment: AKAP9: BS2

Fulgent Genetics
Classification: Likely benign for Long QT syndrome 11. Last evaluated: 2022-04-29. Review status: criteria provided, single submitter. Criteria: ACMG Guidelines, 2015. Collection method: clinical testing. Allele origin: unknown.

Genome-Nilou Lab
Classification: Benign for Long QT syndrome 11. Last evaluated: 2021-12-05. Review status: criteria provided, single submitter. Criteria: ACMG Guidelines, 2015. Collection method: clinical testing. Allele origin: germline. Affected: no.

GeneDx
Classification: Likely benign. Last evaluated: 2020-04-08. Review status: criteria provided, single submitter. Criteria: GeneDx Variant Classification Process June 2021. Collection method: clinical testing. Allele origin: germline. Affected: yes.
Comment: In silico analysis supports that this missense variant has a deleterious effect on protein structure/function; This variant is associated with the following publications: (PMID: 26704558, 26230511)

Dubai Health Genomic Medicine Center, Dubai Health
Classification: Likely benign for Long QT syndrome 11. Last evaluated: 2020-02-11. Review status: criteria provided, single submitter. Criteria: ACMG Guidelines, 2015. Collection method: clinical testing. Allele origin: germline. Affected: yes.

Ambry Genetics
Classification: Likely benign for Cardiovascular phenotype. Last evaluated: 2019-02-08. Review status: criteria provided, single submitter. Criteria: Ambry Variant Classification Scheme 2023. Collection method: clinical testing. Allele origin: germline.

Agnes Ginges Centre for Molecular Cardiology, Centenary Institute
Classification: Benign for unspecified heart condition. Last evaluated: 2017-12-20. Review status: criteria provided, single submitter. Criteria: ACMG Guidelines, 2015. Collection method: research. Allele origin: germline. Affected: yes.
Comment: This variant has been identified as part of our research program. Refer to the 'condition' field for the phenotype of the proband(s) identified with this variant. For further information please feel free to contact us.

Genome Diagnostics Laboratory, University Medical Center Utrecht
Classification: Likely benign for Long QT syndrome 11. Last evaluated: 2017-06-09. Review status: criteria provided, single submitter. Criteria: ACGS Guidelines, 2013. Collection method: clinical testing. Allele origin: germline. Affected: yes. Study: VKGL Data-share Consensus.

Biesecker Lab/Clinical Genomics Section, National Institutes of Health
Classification: Likely benign. Last evaluated: 2013-06-24. Review status: criteria provided, single submitter. Criteria: Ng et al. (Circ Cardiovasc Genet. 2013). Collection method: research. Allele origin: unknown. Observed: 1 variant allele. Study: ClinSeq.
Comment: The study set was not selected for affection status in relation to any cancer. Pathogenicity categories were based on literature curation. See Pubmed ID:23861362 for details.

Medical sequencing

Breakthrough Genomics
Classification: Likely benign. Review status: criteria provided, single submitter. Criteria: ACMG Guidelines, 2015. Collection method: not provided. Allele origin: germline. Inheritance: Autosomal dominant inheritance. Affected: yes.

Clinical Genetics, Academic Medical Center
Classification: Likely benign. Review status: no assertion criteria provided. Collection method: clinical testing. Allele origin: germline. Affected: yes. Study: VKGL Data-share Consensus. Not counted in ClinVar's aggregate classification.

Joint Genome Diagnostic Labs from Nijmegen and Maastricht, Radboudumc and MUMC+
Classification: Likely benign. Review status: no assertion criteria provided. Collection method: clinical testing. Allele origin: germline. Affected: yes. Study: VKGL Data-share Consensus. Not counted in ClinVar's aggregate classification.

Literature cited by the submitters: PubMed 26230511 (cited by Ambry Genetics and Agnes Ginges Centre for Molecular Cardiology, Centenary Institute); PubMed 26704558 (cited by Ambry Genetics and Agnes Ginges Centre for Molecular Cardiology, Centenary Institute).